The following is an entry in ClinVar:

NM_024884.3(L2HGDH):c.959del (p.Asp320fs)

Gene: L2HGDH (L-2-hydroxyglutarate dehydrogenase; minus strand). Cytogenetic location: 14q21.3.
Variant type: Deletion.
Coding change: c.959del on transcript NM_024884.3 (MANE Select); coding-DNA position 959, one base deleted (A; older notation c.959delA).
Protein change: p.Asp320fs; shifts the reading frame from aspartic acid 320.
Molecular consequence: frameshift variant.
Genome position (GRCh38, 1-based): chr14:50,267,858, T deleted on the plus strand (A on the coding strand, the reverse complement: L2HGDH is on the minus strand). VCF-style (leftmost placement, unchanged base first): chr14-50267857-AT-A. GRCh37 (hg19) VCF-style: chr14-50734575-AT-A.
Other names: c.959delA (NM_024884.3); short protein forms D320fs.
Identifiers: ClinVar variation 1299481 (VCV001299481.2), dbSNP rs2139977488, ClinGen allele CA2499222637.
Genomic context (GRCh38, chr14:50,267,857, plus strand): 5'-GGGTCTGTAACCCTCTCGTTTAAAGGCAAGAACTGCATTAGGCCCTAGCCAAATACTGCC[AT>A]CCATCCTTGGTGTGAAGTGAACTCCTAGGAAAGGAAACCGGCTATCTGGGACCTATAAAT-3'

ClinVar aggregate classification (germline): Pathogenic. Review status: criteria provided, multiple submitters, no conflicts (2 of 4 stars). 2 submissions from 2 submitters: Pathogenic (2). Last evaluated 2024-03-29.

Conditions:
L-2-hydroxyglutaric aciduria (L2HGA). Identifiers: Orphanet 79314, MedGen C1855995, MONDO:0009370, OMIM 236792, HP:0040144.

Submissions (2):

Genomic Medicine Center of Excellence, King Faisal Specialist Hospital and Research Centre
Classification: Pathogenic for L-2-hydroxyglutaric aciduria. Last evaluated: 2024-03-29. Review status: criteria provided, single submitter. Criteria: ACMG Guidelines, 2015. Collection method: clinical testing. Allele origin: germline.

Breda Genetics srl
Classification: Pathogenic for L-2-hydroxyglutaric aciduria. Last evaluated: 2021-06-24. Review status: criteria provided, single submitter. Criteria: ACMG Guidelines, 2015. Collection method: clinical testing. Allele origin: germline. Inheritance: Autosomal recessive inheritance. Affected: no. Observed: 1 variant allele, 1 heterozygote.
Comment: The variant c.959delA (p.Asp320Valfs*6) in the L2HGDH gene is reported as pathogenic in the Global Variome shared LOVD database v.3.0 (genomic variant: #0000412545). It creates a shift in the reading frame which is predicted to result in a premature stop codon 6 amino acids downstream, which is likely to result in a truncated protein or protein loss due to nonsense-mediated messenger decay (NMD). This variant has not been reported in dbSNP, gnomAD, 1000 Genomes Project or ClinVar.